The following is an entry in ClinVar:

NM_003482.4(KMT2D):c.15709G>A (p.Gly5237Arg)

Gene: KMT2D (lysine methyltransferase 2D; minus strand). Cytogenetic location: 12q13.12.
Variant type: single nucleotide variant.
Coding change: c.15709G>A on transcript NM_003482.4 (MANE Select); coding-DNA position 15709, G replaced by A.
Protein change: p.Gly5237Arg; replaces glycine 5237 with arginine.
Molecular consequence: missense variant.
Genome position (GRCh38, 1-based): chr12:49,026,257, C>T on the plus strand (G>A on the coding strand, the complement: KMT2D is on the minus strand). VCF-style: chr12-49026257-C-T. GRCh37 (hg19) VCF-style: chr12-49420040-C-T.
Other names: short protein forms G5237R.
Identifiers: ClinVar variation 3252748 (VCV003252748.3), dbSNP rs2137715002.

ClinVar aggregate classification (germline): Uncertain significance. Review status: criteria provided, multiple submitters, no conflicts (2 of 4 stars). 3 submissions from 3 submitters: Uncertain significance (3). Last evaluated 2025-06-22.

Conditions:
Kabuki syndrome. Also called: Kabuki make-up syndrome; NIIKAWA-KUROKI SYNDROME. Identifiers: Orphanet 2322, MedGen C0796004, MONDO:0016512.

Allele frequency attached by ClinVar (database versions not stated): gnomAD exomes below 0.00001.
gnomAD v4.1: 6 of 1,606,924 alleles (0.00037%); highest among the groups gnomAD compares: Non-Finnish European, 0.00043%; no homozygotes.

Submissions (3):

Labcorp Genetics (formerly Invitae), Labcorp
Classification: Uncertain significance for Kabuki syndrome. Last evaluated: 2025-06-22. Review status: criteria provided, single submitter. Criteria: Invitae Variant Classification Sherloc (09022015). Collection method: clinical testing. Allele origin: germline.
Comment: This sequence change replaces glycine, which is neutral and non-polar, with arginine, which is basic and polar, at codon 5237 of the KMT2D protein (p.Gly5237Arg). This variant is not present in population databases (gnomAD no frequency). This variant has not been reported in the literature in individuals affected with KMT2D-related conditions. ClinVar contains an entry for this variant (Variation ID: 3252748). Invitae Evidence Modeling of protein sequence and biophysical properties (such as structural, functional, and spatial information, amino acid conservation, physicochemical variation, residue mobility, and thermodynamic stability) indicates that this missense variant is not expected to disrupt KMT2D protein function with a negative predictive value of 95%. In summary, the available evidence is currently insufficient to determine the role of this variant in disease. Therefore, it has been classified as a Variant of Uncertain Significance.

Laboratory of Genetics, Children's Clinical University Hospital Latvia
Classification: Uncertain significance. Last evaluated: 2025-02-16. Review status: criteria provided, single submitter. Criteria: ACMG Guidelines, 2015. Collection method: clinical testing. Allele origin: germline. Affected: yes.

GeneDx
Classification: Uncertain significance. Last evaluated: 2023-09-29. Review status: criteria provided, single submitter. Criteria: GeneDx Variant Classification Process June 2021. Collection method: clinical testing. Allele origin: germline. Affected: yes.
Comment: Not observed at significant frequency in large population cohorts (gnomAD); In silico analysis supports that this missense variant has a deleterious effect on protein structure/function; Has not been previously published as pathogenic or benign to our knowledge